The following is an entry in ClinVar:

NM_002691.4(POLD1):c.2153A>T (p.Gln718Leu)

Gene: POLD1 (DNA polymerase delta 1, catalytic subunit; plus strand). Cytogenetic location: 19q13.33.
Variant type: single nucleotide variant.
Coding change: c.2153A>T on transcript NM_002691.4 (MANE Select); coding-DNA position 2153, A replaced by T.
Protein change: p.Gln718Leu; replaces glutamine 718 with leucine.
Molecular consequence: missense variant. On other transcripts: non-coding transcript variant (1).
Genome position (GRCh38, 1-based): chr19:50,409,665, A>T. VCF-style: chr19-50409665-A-T. GRCh37 (hg19) VCF-style: chr19-50912922-A-T.
Other names: c.2153A>T (NM_002691.2); c.2153A>T, p.Gln718Leu (NM_001256849.1); c.2231A>T, p.Gln744Leu (NM_001308632.1); short protein forms Q718L, Q744L.
Identifiers: ClinVar variation 1060957 (VCV001060957.8), dbSNP rs2122390200, ClinGen allele CA406982739.
Genomic context (GRCh38, chr19:50,409,665, plus strand): 5'-ACTCCGTATACGGCTTCACTGGCGCCCAGGTGGGCAAGTTGCCGTGCCTGGAGATCTCAC[A>T]GGTGGGCACTCGGGCCCCTGGAAGGCAACTGGGGGCAGGTGGGCCCCCTGTGTAGGAGAC-3'
Protein context (NP_002682.2, residues 708-728): VGKLPCLEIS[Gln718Leu]SVTGFGRQMI

ClinVar aggregate classification (germline): Uncertain significance. Review status: criteria provided, multiple submitters, no conflicts (2 of 4 stars). 2 submissions from 2 submitters: Uncertain significance (2). Last evaluated 2025-08-27.

Conditions:
Hereditary cancer-predisposing syndrome. Also called: Hereditary neoplastic syndrome; Neoplastic Syndromes, Hereditary; Tumor predisposition; Hereditary Cancer Syndrome. Identifiers: Orphanet 140162, MedGen C0027672, MeSH D009386, MONDO:0015356.
POLD1-related polyposis and colorectal cancer syndrome (CRCS10). Also called: Colorectal cancer, susceptibility to, 10; Colorectal cancer 10; COLORECTAL CANCER, SUSCEPTIBILITY TO, ON CHROMOSOME 19q. Identifiers: Orphanet 220460, MedGen C2675481, MONDO:0012953, OMIM 612591.

Submissions (2):

Ambry Genetics
Classification: Uncertain significance for Hereditary cancer-predisposing syndrome. Last evaluated: 2025-08-27. Review status: criteria provided, single submitter. Criteria: Ambry Variant Classification Scheme 2023. Collection method: clinical testing. Allele origin: germline.
Comment: The p.Q718L variant (also known as c.2153A>T), located in coding exon 16 of the POLD1 gene, results from an A to T substitution at nucleotide position 2153. The glutamine at codon 718 is replaced by leucine, an amino acid with dissimilar properties. This amino acid position is highly conserved in available vertebrate species. In addition, the in silico prediction for this alteration is inconclusive. Based on the available evidence, the clinical significance of this variant remains unclear.

Labcorp Genetics (formerly Invitae), Labcorp
Classification: Uncertain significance for POLD1-related polyposis and colorectal cancer syndrome. Last evaluated: 2022-02-03. Review status: criteria provided, single submitter. Criteria: Invitae Variant Classification Sherloc (09022015). Collection method: clinical testing. Allele origin: germline.
Comment: This variant has not been reported in the literature in individuals affected with POLD1-related conditions. In summary, the available evidence is currently insufficient to determine the role of this variant in disease. Therefore, it has been classified as a Variant of Uncertain Significance. Algorithms developed to predict the effect of sequence changes on RNA splicing suggest that this variant may disrupt the consensus splice site. Algorithms developed to predict the effect of missense changes on protein structure and function are either unavailable or do not agree on the potential impact of this missense change (SIFT: "Tolerated"; PolyPhen-2: "Probably Damaging"; Align-GVGD: "Class C15"). ClinVar contains an entry for this variant (Variation ID: 1060957). This variant is not present in population databases (gnomAD no frequency). This sequence change replaces glutamine, which is neutral and polar, with leucine, which is neutral and non-polar, at codon 718 of the POLD1 protein (p.Gln718Leu).